The following is an entry in ClinVar:

ClinVar aggregate classification (germline): Uncertain significance (1 of 4 stars; one submission).

Conditions:
Severe early-onset pulmonary alveolar proteinosis due to MARS deficiency. Also called: PULMONARY ALVEOLAR PROTEINOSIS, REUNION ISLAND; Interstitial lung and liver disease. Identifiers: Orphanet 440427, MedGen C4225400, MONDO:0014206, OMIM 615486.
Charcot-Marie-Tooth disease axonal type 2U. Also called: CHARCOT-MARIE-TOOTH NEUROPATHY, TYPE 2U; CHARCOT-MARIE-TOOTH DISEASE, AXONAL, AUTOSOMAL DOMINANT, TYPE 2U. Identifiers: Orphanet 397735, MedGen C4084821, MONDO:0014566, OMIM 616280.

Submission:

Labcorp Genetics (formerly Invitae), Labcorp
Classification: Uncertain significance for Charcot-Marie-Tooth disease axonal type 2U; Severe early-onset pulmonary alveolar proteinosis due to MARS deficiency. Last evaluated: 2021-04-03. Review status: criteria provided, single submitter. Criteria: Invitae Variant Classification Sherloc (09022015). Collection method: clinical testing. Allele origin: germline.
Comment: This variant is not present in population databases (ExAC no frequency). This sequence change replaces valine with leucine at codon 673 of the MARS protein (p.Val673Leu). The valine residue is moderately conserved and there is a small physicochemical difference between valine and leucine. This variant has not been reported in the literature in individuals with MARS-related conditions. In summary, the available evidence is currently insufficient to determine the role of this variant in disease. Therefore, it has been classified as a Variant of Uncertain Significance. Algorithms developed to predict the effect of missense changes on protein structure and function (SIFT, PolyPhen-2, Align-GVGD) all suggest that this variant is likely to be tolerated, but these predictions have not been confirmed by published functional studies and their clinical significance is uncertain.

NM_004990.4(MARS1):c.2017G>T (p.Val673Leu)

Gene: MARS1 (methionyl-tRNA synthetase 1; plus strand). Cytogenetic location: 12q13.3.
Variant type: single nucleotide variant.
Coding change: c.2017G>T on transcript NM_004990.4 (MANE Select); coding-DNA position 2017, G replaced by T.
Protein change: p.Val673Leu; replaces valine 673 with leucine.
Molecular consequence: missense variant.
Genome position (GRCh38, 1-based): chr12:57,514,769, G>T. VCF-style: chr12-57514769-G-T. GRCh37 (hg19) VCF-style: chr12-57908552-G-T.
Other names: short protein forms V673L.
Identifiers: ClinVar variation 1681768 (VCV001681768.8), dbSNP rs145672326, ClinGen allele CA385464537.